The following is an entry in ClinVar:

ClinVar aggregate classification (germline): Uncertain significance (1 of 4 stars; one submission).

Conditions:
Developmental and epileptic encephalopathy 94 (DEE94). Also called: CHD2-Related Neurodevelopmental Disorders; Epileptic encephalopathy, childhood-onset. Identifiers: Orphanet 1942, Orphanet 2382, MedGen C3809278, MONDO:0014150, OMIM 615369.

Submission:

Labcorp Genetics (formerly Invitae), Labcorp
Classification: Uncertain significance for Developmental and epileptic encephalopathy 94. Last evaluated: 2022-07-26. Review status: criteria provided, single submitter. Criteria: Invitae Variant Classification Sherloc (09022015). Collection method: clinical testing. Allele origin: germline.
Comment: This sequence change replaces histidine, which is basic and polar, with glutamine, which is neutral and polar, at codon 764 of the CHD2 protein (p.His764Gln). This variant is not present in population databases (gnomAD no frequency). This variant has not been reported in the literature in individuals affected with CHD2-related conditions. ClinVar contains an entry for this variant (Variation ID: 1376553). Advanced modeling of protein sequence and biophysical properties (such as structural, functional, and spatial information, amino acid conservation, physicochemical variation, residue mobility, and thermodynamic stability) performed at Invitae indicates that this missense variant is expected to disrupt CHD2 protein function. In summary, the available evidence is currently insufficient to determine the role of this variant in disease. Therefore, it has been classified as a Variant of Uncertain Significance.

NM_001271.4(CHD2):c.2292C>A (p.His764Gln)

Gene: CHD2 (chromodomain helicase DNA binding protein 2; plus strand). Cytogenetic location: 15q26.1.
Variant type: single nucleotide variant.
Coding change: c.2292C>A on transcript NM_001271.4 (MANE Select); coding-DNA position 2292, C replaced by A.
Protein change: p.His764Gln; replaces histidine 764 with glutamine.
Molecular consequence: missense variant.
Genome position (GRCh38, 1-based): chr15:92,971,867, C>A. VCF-style: chr15-92971867-C-A. GRCh37 (hg19) VCF-style: chr15-93515097-C-A.
Other names: short protein forms H764Q.
Identifiers: ClinVar variation 1376553 (VCV001376553.8), dbSNP rs2141835739, ClinGen allele CA393892956.